The following is an entry in ClinVar:

ClinVar aggregate classification (germline): Uncertain significance (1 of 4 stars; one submission).

Conditions:
Acromesomelic dysplasia 1, Maroteaux type (AMD1). Also called: ACROMESOMELIC DYSPLASIA 1; ST. HELENA DYSPLASIA. Identifiers: Orphanet 40, MedGen C1864356, MONDO:0011275, OMIM 602875.

Submission:

Hacettepe Genetic Diseases Diagnosis Center, Hacettepe University Faculty of Medicine
Classification: Uncertain significance for Acromesomelic dysplasia 1, Maroteaux type. Last evaluated: 2020-05-10. Review status: criteria provided, single submitter. Criteria: ACMG Guidelines, 2015. Collection method: clinical testing. Allele origin: germline. Inheritance: Autosomal recessive inheritance. Affected: yes. Observed: 1 homozygote.
Comment: This variant was neither found in ExAC nor 1000G. This variant was classified as uncertain significance according to the ACMG guidelines and predicted to be disease causing by in silico analysis such as MutationTaster.

NM_003995.4(NPR2):c.873+3A>G

Gene: NPR2 (natriuretic peptide receptor 2; plus strand). Cytogenetic location: 9p13.3.
Variant type: single nucleotide variant.
Coding change: c.873+3A>G on transcript NM_003995.4 (MANE Select); 3 bases into the intron after coding-DNA position 873, A replaced by G.
Molecular consequence: intron variant.
Genome position (GRCh38, 1-based): chr9:35,794,106, A>G. VCF-style: chr9-35794106-A-G. GRCh37 (hg19) VCF-style: chr9-35794103-A-G.
Identifiers: ClinVar variation 873149 (VCV000873149.2), dbSNP rs1827874317, ClinGen allele CA1139660957.